The following is an entry in ClinVar:

ClinVar aggregate classification (germline): Uncertain significance (1 of 4 stars; one submission).

Conditions:
Neuropathy, hereditary motor and sensory, type 6B (HMSN6B). Also called: Neuropathy, hereditary motor and sensory, type VIB; HMSN VIB; CHARCOT-MARIE-TOOTH DISEASE, TYPE 6B; NEUROPATHY, HEREDITARY MOTOR AND SENSORY, TYPE VIB, WITH OPTIC ATROPHY. Identifiers: MedGen C4225302, MONDO:0014671, OMIM 616505.

Submission:

Labcorp Genetics (formerly Invitae), Labcorp
Classification: Uncertain significance for Neuropathy, hereditary motor and sensory, type 6B. Last evaluated: 2022-08-20. Review status: criteria provided, single submitter. Criteria: Invitae Variant Classification Sherloc (09022015). Collection method: clinical testing. Allele origin: germline.
Comment: This sequence change replaces alanine, which is neutral and non-polar, with valine, which is neutral and non-polar, at codon 133 of the SLC25A46 protein (p.Ala133Val). In summary, the available evidence is currently insufficient to determine the role of this variant in disease. Therefore, it has been classified as a Variant of Uncertain Significance. Algorithms developed to predict the effect of missense changes on protein structure and function are either unavailable or do not agree on the potential impact of this missense change (SIFT: "Deleterious"; PolyPhen-2: "Possibly Damaging"; Align-GVGD: "Class C0"). This variant has not been reported in the literature in individuals affected with SLC25A46-related conditions. This variant is not present in population databases (gnomAD no frequency).

NM_138773.4(SLC25A46):c.398C>T (p.Ala133Val)

Gene: SLC25A46 (solute carrier family 25 member 46; plus strand). Cytogenetic location: 5q22.1.
Variant type: single nucleotide variant.
Coding change: c.398C>T on transcript NM_138773.4 (MANE Select); coding-DNA position 398, C replaced by T.
Protein change: p.Ala133Val; replaces alanine 133 with valine.
Molecular consequence: missense variant. On other transcripts: non-coding transcript variant (1).
Genome position (GRCh38, 1-based): chr5:110,746,282, C>T. VCF-style: chr5-110746282-C-T. GRCh37 (hg19) VCF-style: chr5-110081983-C-T.
Other names: c.398C>T, p.Ala133Val (NM_001303249.3); c.125C>T, p.Ala42Val (NM_001303250.3); short protein forms A133V, A42V.
Identifiers: ClinVar variation 1717049 (VCV001717049.6), dbSNP rs2547522796, ClinGen allele CA360694373.
Genomic context (GRCh38, chr5:110,746,282, plus strand): 5'-TTGACAAAACATTAACAGAAAAAAATAATGAAATATCTTTTTTACAGGTTAATTACCATG[C>T]TCAGCATTACCATCTCACTCCATTTACAGTCATCAATATTATGTACAGTTTCAACAAAAC-3'
Protein context (NP_620128.1, residues 123-143): LRRQCQVNYH[Ala133Val]QHYHLTPFTV